The following is an entry in ClinVar:

ClinVar aggregate classification (germline): Uncertain significance (1 of 4 stars; one submission).

Conditions:
Primary ciliary dyskinesia 7. Also called: CILIARY DYSKINESIA, PRIMARY, 7, WITH OR WITHOUT SITUS INVERSUS. Identifiers: Orphanet 244, MedGen C2678473, MONDO:0012748, OMIM 611884.

gnomAD v4.1: 1 of 1,612,272 alleles (0.000062%); highest among the groups gnomAD compares: Non-Finnish European, 0.000085%; no homozygotes.

Submission:

Broad Center for Mendelian Genomics, Broad Institute of MIT and Harvard
Classification: Uncertain significance for Primary ciliary dyskinesia 7. Last evaluated: 2025-02-14. Review status: criteria provided, single submitter. Criteria: ACMG Guidelines, 2015. Collection method: curation. Allele origin: germline. Inheritance: Autosomal recessive inheritance.
Comment: The p.Arg2243Gly variant in DNAH11 has been reported in 1 individual with primary ciliary dyskinesia (PMID: 32502479), and has been identified in 0.00008% (1/1178796) of European (non-Finnish) chromosomes by the Genome Aggregation Database (gnomAD). Although this variant has been seen in the general population in a heterozygous state, its frequency is low enough to be consistent with a recessive carrier frequency. Computational prediction tools and conservation analyses suggest that this variant may impact the protein, though this information is not predictive enough to determine pathogenicity. In summary, the clinical significance of the p.Arg2243Gly variant is uncertain. ACMG/AMP Criteria applied: PP3_moderate, PM2_supporting (Richards 2015).

NM_001277115.2(DNAH11):c.6727C>G (p.Arg2243Gly)

Gene: DNAH11 (dynein axonemal heavy chain 11; plus strand). Cytogenetic location: 7p15.3.
Variant type: single nucleotide variant.
Coding change: c.6727C>G on transcript NM_001277115.2 (MANE Select); coding-DNA position 6727, C replaced by G.
Protein change: p.Arg2243Gly; replaces arginine 2243 with glycine.
Molecular consequence: missense variant.
Genome position (GRCh38, 1-based): chr7:21,710,596, C>G. VCF-style: chr7-21710596-C-G. GRCh37 (hg19) VCF-style: chr7-21750214-C-G.
Other names: NM_001277115.2:c.6727C>G; short protein forms R2243G.
Identifiers: ClinVar variation 3776930 (VCV003776930.1).